The following is an entry in ClinVar:

NM_031857.2(PCDHA9):c.393A>G (p.Pro131=)

Genes: PCDHA1 (protocadherin alpha 1; plus strand), PCDHA2 (protocadherin alpha 2; plus strand), PCDHA3 (protocadherin alpha 3; plus strand), PCDHA4 (protocadherin alpha 4; plus strand), PCDHA5 (protocadherin alpha 5; plus strand) and 5 more. Cytogenetic location: 5q31.3.
Variant type: single nucleotide variant.
Coding change: c.393A>G on transcript NM_031857.2 (MANE Select); coding-DNA position 393, A replaced by G.
Protein change: p.Pro131=; no amino-acid change (proline 131 retained).
Molecular consequence: synonymous variant. On other transcripts: intron variant (10).
Genome position (GRCh38, 1-based): chr5:140,848,888, A>G. VCF-style: chr5-140848888-A-G. GRCh37 (hg19) VCF-style: chr5-140228473-A-G.
Other names: c.393A>G, p.Pro131= (NM_014005.5); c.2394+60204A>G (NM_018900.4); c.1602+60996A>G (NM_031411.3); c.2388+51536A>G (NM_018905.3); c.2394+45297A>G (NM_018906.3); c.2385+39316A>G (NM_018907.4); c.2352+24761A>G (NM_018908.3); c.2394+18403A>G (NM_018909.4); and 3 more.
Identifiers: ClinVar variation 3037401 (VCV003037401.2), dbSNP rs364063, ClinGen allele CA3450216.

ClinVar aggregate classification (germline): Likely benign (0 of 4 stars; one submission).

Conditions:
PCDHA9-related disorder. Also called: PCDHA9-related condition.

Submission:

PreventionGenetics, part of Exact Sciences
Classification: Likely benign for PCDHA9-related condition. Last evaluated: 2020-09-25. Review status: no assertion criteria provided. Collection method: clinical testing. Allele origin: germline.
Comment: This variant is classified as likely benign based on ACMG/AMP sequence variant interpretation guidelines (Richards et al. 2015 PMID: 25741868, with internal and published modifications).